The following is an entry in ClinVar:

ClinVar aggregate classification (germline): Uncertain significance (1 of 4 stars; one submission).

Conditions:
Oculofaciocardiodental syndrome (MCOPS2). Identifiers: Orphanet 2712, MedGen C1846265, MONDO:0010261, OMIM 300166.

Allele frequency attached by ClinVar (database versions not stated): TOPMed below 0.00001.

Submission:

Labcorp Genetics (formerly Invitae), Labcorp
Classification: Uncertain significance for Oculofaciocardiodental syndrome. Last evaluated: 2023-08-23. Review status: criteria provided, single submitter. Criteria: Invitae Variant Classification Sherloc (09022015). Collection method: clinical testing. Allele origin: germline.
Comment: This variant has not been reported in the literature in individuals affected with BCOR-related conditions. This variant is not present in population databases (gnomAD no frequency). This sequence change replaces valine, which is neutral and non-polar, with methionine, which is neutral and non-polar, at codon 973 of the BCOR protein (p.Val973Met). An algorithm developed to predict the effect of missense changes on protein structure and function (PolyPhen-2) suggests that this variant is likely to be disruptive. In summary, the available evidence is currently insufficient to determine the role of this variant in disease. Therefore, it has been classified as a Variant of Uncertain Significance.

NM_001123385.2(BCOR):c.2917G>A (p.Val973Met)

Gene: BCOR (BCL6 corepressor; minus strand). Cytogenetic location: Xp11.4.
Variant type: single nucleotide variant.
Coding change: c.2917G>A on transcript NM_001123385.2 (MANE Select); coding-DNA position 2917, G replaced by A.
Protein change: p.Val973Met; replaces valine 973 with methionine.
Molecular consequence: missense variant.
Genome position (GRCh38, 1-based): chrX:40,072,429, C>T on the plus strand (G>A on the coding strand, the complement: BCOR is on the minus strand). VCF-style: chrX-40072429-C-T. GRCh37 (hg19) VCF-style: chrX-39931682-C-T.
Other names: c.2917G>A, p.Val973Met (NM_001123383.2, NM_001123384.2, NM_017745.6); short protein forms V973M.
Identifiers: ClinVar variation 3010065 (VCV003010065.3), dbSNP rs1935520492, ClinGen allele CA412741319.